The following is an entry in ClinVar:

ClinVar aggregate classification (germline): Pathogenic. Review status: reviewed by expert panel (3 of 4 stars). 2 submissions from 2 submitters: Pathogenic (1). 1 of the submissions does not count toward it. Last evaluated 2023-12-09.

Conditions:
Abnormal bleeding. Also called: Bleeding diathesis. Identifiers: MedGen C1458140, HP:0001892.
Thrombocytopenia. Identifiers: MedGen C0040034, MeSH D013921, MONDO:0002049, HP:0001873.
Hereditary thrombocytopenia and hematologic cancer predisposition syndrome. Identifiers: Orphanet 71290, MedGen CN281654, MONDO:0011071.

Submissions (2):

ClinGen Myeloid Malignancy Variant Curation Expert Panel
Classification: Pathogenic for Hereditary thrombocytopenia and hematologic cancer predisposition syndrome. Last evaluated: 2023-12-09. Review status: reviewed by expert panel. Criteria: ClinGen MyeloMalig ACMG Specifications v2. Collection method: curation. Allele origin: germline. Inheritance: Autosomal dominant inheritance.
Comment: The c.351+1G>T variant is a canonical splice site variant predicted to disrupt exon 4 donor splice site recognition. The c.351+1G>T variant is a canonical splice site variant predicted to disrupt exon 4 donor splice site recognition. According to SpliceAI prediction, the donor loss is 0.99 at -1 bp. This variant is expected to result in exon 4 skipping, leading to a frameshift (PVS1). This variant has been reported in 2 probands (#17, and #44.2), both meeting at least one of the RUNX1-phenotypic criteria (PS4_Moderate; PMID: 24100448 and 32935436). This variant is completely absent from all population databases (gnomAD v2.1.1, v3.1.2, and gnomAD v4.0.0) with at least 20x coverage for RUNX1 (PM2_supporting). In summary, this variant meets criteria to be classified as pathogenic. ACMG/AMP criteria applied, as specified by the Myeloid Malignancy Variant Curation Expert Panel for RUNX1: PVS1, PS4_moderate, PM2_supporting.

Birmingham Platelet Group; University of Birmingham
Classification: Pathogenic for Thrombocytopenia; Abnormal bleeding. Last evaluated: 2020-05-01. Review status: no assertion criteria provided. Collection method: research. Allele origin: germline. Affected: yes. Not counted in ClinVar's aggregate classification.

NM_001754.5(RUNX1):c.351+1G>T

Gene: RUNX1 (RUNX family transcription factor 1; minus strand). Cytogenetic location: 21q22.12.
Variant type: single nucleotide variant.
Coding change: c.351+1G>T on transcript NM_001754.5 (MANE Select); the canonical splice donor site of the intron after coding-DNA position 351, G replaced by T.
Molecular consequence: splice donor variant.
Genome position (GRCh38, 1-based): chr21:34,886,842, C>A on the plus strand (G>T on the coding strand, the complement: RUNX1 is on the minus strand). VCF-style: chr21-34886842-C-A. GRCh37 (hg19) VCF-style: chr21-36259139-C-A.
Other names: c.270+1G>T (NM_001001890.3, NM_001122607.2).
Identifiers: ClinVar variation 988837 (VCV000988837.2), dbSNP rs1060502579, ClinGen allele CA410203333.